The following is an entry in ClinVar:

ClinVar aggregate classification (germline): Uncertain significance (1 of 4 stars; one submission).

Allele frequency attached by ClinVar (database versions not stated): TOPMed below 0.00001.
gnomAD v4.1: 3 of 1,614,166 alleles (0.00019%); highest among the groups gnomAD compares: Non-Finnish European, 0.00025%; no homozygotes.

Submission:

Ambry Genetics
Classification: Uncertain significance. Last evaluated: 2023-06-08. Review status: criteria provided, single submitter. Criteria: Ambry Variant Classification Scheme 2023. Collection method: clinical testing. Allele origin: germline.
Comment: The p.P261H variant (also known as c.782C>A), located in coding exon 1 of the PALLD gene, results from a C to A substitution at nucleotide position 782. The proline at codon 261 is replaced by histidine, an amino acid with similar properties. This amino acid position is conserved. In addition, this alteration is predicted to be tolerated by in silico analysis. Since supporting evidence is limited at this time, the clinical significance of this alteration remains unclear.

NM_001166108.2(PALLD):c.782C>A (p.Pro261His)

Gene: PALLD (palladin, cytoskeletal associated protein; plus strand). Cytogenetic location: 4q32.3.
Variant type: single nucleotide variant.
Coding change: c.782C>A on transcript NM_001166108.2 (MANE Select); coding-DNA position 782, C replaced by A.
Protein change: p.Pro261His; replaces proline 261 with histidine.
Molecular consequence: missense variant.
Genome position (GRCh38, 1-based): chr4:168,512,286, C>A. VCF-style: chr4-168512286-C-A. GRCh37 (hg19) VCF-style: chr4-169433437-C-A.
Other names: c.782C>A, p.Pro261His (NM_016081.4); short protein forms P261H.
Identifiers: ClinVar variation 2560478 (VCV002560478.2), dbSNP rs1762594222, ClinGen allele CA358728340.